The following is an entry in ClinVar:

ClinVar aggregate classification (germline): Pathogenic (1 of 4 stars; one submission).

Submission:

Labcorp Genetics (formerly Invitae), Labcorp
Classification: Pathogenic. Last evaluated: 2019-05-07. Review status: criteria provided, single submitter. Criteria: Invitae Variant Classification Sherloc (09022015). Collection method: clinical testing. Allele origin: germline.
Comment: This sequence change creates a premature translational stop signal (p.Trp486Valfs*22) in the HPS3 gene. It is expected to result in an absent or disrupted protein product. This variant is not present in population databases (ExAC no frequency). This variant has not been reported in the literature in individuals with HPS3-related conditions. Loss-of-function variants in HPS3 are known to be pathogenic (PMID: 11590544). For these reasons, this variant has been classified as Pathogenic.

Literature cited by the submitters: PubMed 11590544.

NM_032383.5(HPS3):c.1455dup (p.Trp486fs)

Gene: HPS3 (HPS3 biogenesis of lysosomal organelles complex 2 subunit 1; plus strand). Cytogenetic location: 3q24.
Variant type: Duplication.
Coding change: c.1455dup on transcript NM_032383.5 (MANE Select); coding-DNA position 1455, one base duplicated (G; older notation c.1455dupG).
Protein change: p.Trp486fs; shifts the reading frame from tryptophan 486.
Molecular consequence: frameshift variant.
Genome position (GRCh38, 1-based): chr3:149,155,161, G duplicated; the last of 3 consecutive G bases (chr3:149,155,159-149,155,161); duplicating any one gives the same sequence. VCF-style (leftmost placement, unchanged base first): chr3-149155158-T-TG. GRCh37 (hg19) VCF-style: chr3-148872945-T-TG.
Other names: c.960dup, p.Trp321fs (NM_001308258.2); short protein forms W486fs, W321fs.
Identifiers: ClinVar variation 950926 (VCV000950926.7), dbSNP rs1723367742, ClinGen allele CA1139658306.
Genomic context (GRCh38, chr3:149,155,158, plus strand): 5'-TGCTTTTAGTTCGAGAAAAGATACCAGTGTTAAAATCAAAATACCTCCTGTAGCTGAGGC[T>TG]GGGTGGAATTTGTATATTGTGAATACGATCTCACCAGTGCAGCTGTACAAAGAGATGGTA-3'